The following is an entry in ClinVar:

NM_182641.4(BPTF):c.5626A>C (p.Lys1876Gln)

Gene: BPTF (bromodomain PHD finger transcription factor; plus strand). Cytogenetic location: 17q24.2.
Variant type: single nucleotide variant.
Coding change: c.5626A>C on transcript NM_182641.4 (MANE Select); coding-DNA position 5626, A replaced by C.
Protein change: p.Lys1876Gln; replaces lysine 1876 with glutamine.
Molecular consequence: missense variant.
Genome position (GRCh38, 1-based): chr17:67,922,908, A>C. VCF-style: chr17-67922908-A-C. GRCh37 (hg19) VCF-style: chr17-65919024-A-C.
Other names: c.5815A>C, p.Lys1939Gln (NM_001439139.1, NM_001439141.1, NM_001439143.1 and 1 more transcripts); c.6004A>C, p.Lys2002Gln (NM_001439140.1, NM_001439142.1, NM_004459.7); short protein forms K1876Q, K1939Q, K2002Q.
Identifiers: ClinVar variation 4883450 (VCV004883450.2).

ClinVar aggregate classification (germline): Uncertain significance (1 of 4 stars; one submission).

Conditions:
Neurodevelopmental disorder with dysmorphic facies and distal limb anomalies. Identifiers: Orphanet 686482, MedGen C4540327, MONDO:0060596, OMIM 617755.

Submission:

Dasa
Classification: Uncertain significance for Neurodevelopmental disorder with dysmorphic facies and distal limb anomalies. Last evaluated: 2025-08-19. Review status: criteria provided, single submitter. Criteria: DASA Assertion Criteria. Collection method: clinical testing. Allele origin: germline.
Comment: NM_182641.4(BPTF):c.5626A>C (p.Lys1876Gln) is a missense variant that results in the substitution of lysine with glutamine. This variant is absent from population databases. The currently available literature and clinical evidence are not sufficient to establish a definitive association between this variant and the reported condition. Therefore, this variant is classified as a variant of uncertain significance.